The following is an entry in ClinVar:

NM_002185.5(IL7R):c.719C>T (p.Pro240Leu)

Gene: IL7R (interleukin 7 receptor; plus strand). Cytogenetic location: 5p13.2.
Variant type: single nucleotide variant.
Coding change: c.719C>T on transcript NM_002185.5 (MANE Select); coding-DNA position 719, C replaced by T.
Protein change: p.Pro240Leu; replaces proline 240 with leucine.
Molecular consequence: missense variant.
Genome position (GRCh38, 1-based): chr5:35,874,461, C>T. VCF-style: chr5-35874461-C-T. GRCh37 (hg19) VCF-style: chr5-35874563-C-T.
Other names: short protein forms P240L.
Identifiers: ClinVar variation 953916 (VCV000953916.10), dbSNP rs1760154761, ClinGen allele CA359431502.

ClinVar aggregate classification (germline): Uncertain significance (1 of 4 stars; one submission).

Conditions:
Immunodeficiency 104. Also called: Severe combined immunodeficiency, autosomal recessive, T cell-negative, B cell-positive, NK cell-positive; IMMUNODEFICIENCY 104, SEVERE COMBINED; SCID, AUTOSOMAL RECESSIVE, T CELL-NEGATIVE, B CELL-POSITIVE, NK CELL-POSITIVE; Severe Combined Immune Deficiency, Autosomal Recessive, TCell -Negative, B Cell-Positive, NK Cell-Positive, IL7R-Related. Identifiers: MedGen C5676890, MONDO:0012163, OMIM 608971.

Allele frequency attached by ClinVar (database versions not stated): TOPMed below 0.00001.

Submission:

Labcorp Genetics (formerly Invitae), Labcorp
Classification: Uncertain significance for Immunodeficiency 104. Last evaluated: 2022-09-01. Review status: criteria provided, single submitter. Criteria: Invitae Variant Classification Sherloc (09022015). Collection method: clinical testing. Allele origin: germline.
Comment: In summary, the available evidence is currently insufficient to determine the role of this variant in disease. Therefore, it has been classified as a Variant of Uncertain Significance. Algorithms developed to predict the effect of missense changes on protein structure and function (SIFT, PolyPhen-2, Align-GVGD) all suggest that this variant is likely to be tolerated. ClinVar contains an entry for this variant (Variation ID: 953916). This variant has not been reported in the literature in individuals affected with IL7R-related conditions. This variant is not present in population databases (gnomAD no frequency). This sequence change replaces proline, which is neutral and non-polar, with leucine, which is neutral and non-polar, at codon 240 of the IL7R protein (p.Pro240Leu).